The following is an entry in ClinVar:

NM_006086.4(TUBB3):c.136C>T (p.Arg46Trp)

Gene: TUBB3 (tubulin beta 3 class III; plus strand). Cytogenetic location: 16q24.3.
Variant type: single nucleotide variant.
Coding change: c.136C>T on transcript NM_006086.4 (MANE Select); coding-DNA position 136, C replaced by T.
Protein change: p.Arg46Trp; replaces arginine 46 with tryptophan.
Molecular consequence: missense variant. On other transcripts: 5 prime UTR variant (1).
Genome position (GRCh38, 1-based): chr16:89,932,649, C>T. VCF-style: chr16-89932649-C-T. GRCh37 (hg19) VCF-style: chr16-89999057-C-T.
Other names: c.-81C>T (NM_001197181.2); short protein forms R46W.
Identifiers: ClinVar variation 438582 (VCV000438582.33), dbSNP rs1555625363, ClinGen allele CA397471028.

ClinVar aggregate classification (germline): Conflicting classifications of pathogenicity. Review status: criteria provided, conflicting classifications (1 of 4 stars). 7 submissions from 7 submitters: Pathogenic (3); Likely pathogenic (3); Uncertain significance (1). Last evaluated 2025-11-18.

Conditions:
Fibrosis of extraocular muscles, congenital, 3A, with or without extraocular involvement. Also called: CONGENITAL FIBROSIS OF EXTRAOCULAR MUSCLES 3A; FEOM3 LOCUS. Identifiers: MedGen C2748801, MONDO:0010912, OMIM 600638.
Developmental disorder. Identifiers: MedGen C0008073.
Complex cortical dysplasia with other brain malformations 1. Identifiers: Orphanet 300570, MedGen C3808397, MONDO:0013541, OMIM 614039.

Submissions (7):

Variantyx, Inc.
Classification: Pathogenic for Complex cortical dysplasia with other brain malformations 1. Last evaluated: 2025-11-18. Review status: criteria provided, single submitter. Criteria: Variantyx Assertion Criteria 2022. Collection method: clinical testing. Allele origin: de novo. Inheritance: Autosomal dominant inheritance. Affected: yes.
Comment: This is a nonsynonymous variant in the TUBB3 gene (OMIM: 602661). Pathogenic variants in this gene have been associated with autosomal dominant complex cortical dysplasia with other brain malformations 1. TThis variant has been reported in at least 2 affected individuals (PMID: 29269699, 29706646) (PS4). This variant is absent from control populations (PM2). Computational algorithms produce conflicting evidence regarding the predicted functional impact of this variant (REVEL score: 0.636). Based on the current evidence, this variant is classified as pathogenic for autosomal dominant complex cortical dysplasia with other brain malformations 1.

CeGaT Center for Human Genetics Tuebingen
Classification: Pathogenic. Last evaluated: 2023-11-01. Review status: criteria provided, single submitter. Criteria: CeGaT Center For Human Genetics Tuebingen Variant Classification Criteria Version 2. Collection method: clinical testing. Allele origin: germline. Affected: yes. Observed: 1 variant allele.
Comment: TUBB3: PS2:Very Strong, PM2, PS4:Moderate, PM5:Supporting, PP2, PP3

Labcorp Genetics (formerly Invitae), Labcorp
Classification: Uncertain significance. Last evaluated: 2023-05-03. Review status: criteria provided, single submitter. Criteria: Invitae Variant Classification Sherloc (09022015). Collection method: clinical testing. Allele origin: germline.
Comment: In summary, the available evidence is currently insufficient to determine the role of this variant in disease. Therefore, it has been classified as a Variant of Uncertain Significance. Advanced modeling of protein sequence and biophysical properties (such as structural, functional, and spatial information, amino acid conservation, physicochemical variation, residue mobility, and thermodynamic stability) performed at Invitae indicates that this missense variant is expected to disrupt TUBB3 protein function. ClinVar contains an entry for this variant (Variation ID: 438582). This missense change has been observed in individual(s) with clinical features of TUBB3-related conditions (PMID: 29269699, 29706646). This variant is not present in population databases (gnomAD no frequency). This sequence change replaces arginine, which is basic and polar, with tryptophan, which is neutral and slightly polar, at codon 46 of the TUBB3 protein (p.Arg46Trp).

GeneDx
Classification: Pathogenic. Last evaluated: 2022-11-18. Review status: criteria provided, single submitter. Criteria: GeneDx Variant Classification Process June 2021. Collection method: clinical testing. Allele origin: germline. Affected: yes.
Comment: Not observed at significant frequency in large population cohorts (gnomAD); In silico analysis, which includes protein predictors and evolutionary conservation, supports a deleterious effect; The majority of missense variants in this gene are considered pathogenic (HGMD); This variant is associated with the following publications: (PMID: 29706646, 29269699, 20829227)

Dasa
Classification: Likely pathogenic for Fibrosis of extraocular muscles, congenital, 3A, with or without extraocular involvement. Last evaluated: 2022-02-05. Review status: criteria provided, single submitter. Criteria: ACMG Guidelines, 2015. Collection method: clinical testing. Allele origin: germline. Affected: yes. Observed: 1 variant allele.
Comment: The c.136C>T;p.(Arg46Trp) missense variant has been observed in affected individual(s) and ClinVar contains an entry for this variant (ClinVar ID: 438582; PMID: 29269699; 29706646) - PS4_supporting. This variant is not present in population databases (rs1555625363; gnomAD; ABraOM no frequency) - PM2. The variant was assumed de novo; but without confirmation of paternity and maternity (PMID: 29269699; 29706646) - PM6. Missense variant in TUBB3 that has a low rate of benign missense variation and in which missense variants are a common mechanism of disease - PP2. Multiple lines of computational evidence support a deleterious effect on the gene or gene product - PP3. In summary, the currently available evidence indicates that the variant is likely pathogenic.

Department of Genetics, Rouen University Hospital, Normandy Center for Genomic and Personalized Medicine
Classification: Likely pathogenic for Developmental disorder. Last evaluated: 2021-06-21. Review status: criteria provided, single submitter. Criteria: ACMG Guidelines, 2015. Collection method: clinical testing. Allele origin: de novo. Affected: yes.

Lupski Lab, Baylor-Hopkins CMG, Baylor College of Medicine
Classification: Likely pathogenic for Complex cortical dysplasia with other brain malformations 1. Last evaluated: 2017-09-01. Review status: criteria provided, single submitter. Criteria: Wiszniewski et al. (Eur J Hum Genet. 2018). Collection method: research. Allele origin: de novo. Inheritance: Autosomal dominant inheritance. Affected: yes. Observed: 1 variant allele.

Literature cited by the submitters: PubMed 29269699 (cited by 3 submitters); PubMed 29706646 (cited by 3 submitters).